The following is an entry in ClinVar:

ClinVar aggregate classification (germline): Uncertain significance (1 of 4 stars; one submission).

Allele frequency attached by ClinVar (database versions not stated): gnomAD exomes below 0.00001; TOPMed 0.00002.
gnomAD v4.1: 5 of 1,613,462 alleles (0.00031%); highest among the groups gnomAD compares: Admixed American, 0.0033%; no homozygotes.

Submission:

Labcorp Genetics (formerly Invitae), Labcorp
Classification: Uncertain significance. Last evaluated: 2023-07-30. Review status: criteria provided, single submitter. Criteria: Invitae Variant Classification Sherloc (09022015). Collection method: clinical testing. Allele origin: germline.
Comment: Advanced modeling of protein sequence and biophysical properties (such as structural, functional, and spatial information, amino acid conservation, physicochemical variation, residue mobility, and thermodynamic stability) performed at Invitae indicates that this missense variant is not expected to disrupt CSF2RB protein function. In summary, the available evidence is currently insufficient to determine the role of this variant in disease. Therefore, it has been classified as a Variant of Uncertain Significance. This variant has not been reported in the literature in individuals affected with CSF2RB-related conditions. This variant is present in population databases (no rsID available, gnomAD 0.006%). This sequence change replaces glutamine, which is neutral and polar, with arginine, which is basic and polar, at codon 511 of the CSF2RB protein (p.Gln511Arg).

NM_000395.3(CSF2RB):c.1532A>G (p.Gln511Arg)

Gene: CSF2RB (colony stimulating factor 2 receptor subunit beta; plus strand). Cytogenetic location: 22q12.3.
Variant type: single nucleotide variant.
Coding change: c.1532A>G on transcript NM_000395.3 (MANE Select); coding-DNA position 1532, A replaced by G.
Protein change: p.Gln511Arg; replaces glutamine 511 with arginine.
Molecular consequence: missense variant.
Genome position (GRCh38, 1-based): chr22:36,936,616, A>G. VCF-style: chr22-36936616-A-G. GRCh37 (hg19) VCF-style: chr22-37332658-A-G.
Other names: c.1550A>G, p.Gln517Arg (NM_001410827.1); short protein forms Q511R, Q517R.
Identifiers: ClinVar variation 3016106 (VCV003016106.3), dbSNP rs960069015, ClinGen allele CA324003297.